The following is an entry in ClinVar:

ClinVar aggregate classification (germline): Uncertain significance (1 of 4 stars; one submission).

Submission:

Ambry Genetics
Classification: Uncertain significance. Last evaluated: 2021-07-15. Review status: criteria provided, single submitter. Criteria: Ambry Variant Classification Scheme 2023. Collection method: clinical testing. Allele origin: germline.
Comment: The p.S641T variant (also known as c.1921T>A), located in coding exon 13 of the NPAT gene, results from a T to A substitution at nucleotide position 1921. The serine at codon 641 is replaced by threonine, an amino acid with similar properties. This amino acid position is conserved. In addition, this alteration is predicted to be tolerated by in silico analysis. Since supporting evidence is limited at this time, the clinical significance of this alteration remains unclear.

NM_002519.3(NPAT):c.1921T>A (p.Ser641Thr)

Gene: NPAT (nuclear protein, coactivator of histone transcription; minus strand). Cytogenetic location: 11q22.3.
Variant type: single nucleotide variant.
Coding change: c.1921T>A on transcript NM_002519.3 (MANE Select); coding-DNA position 1921, T replaced by A.
Protein change: p.Ser641Thr; replaces serine 641 with threonine.
Molecular consequence: missense variant.
Genome position (GRCh38, 1-based): chr11:108,173,063, A>T on the plus strand (T>A on the coding strand, the complement: NPAT is on the minus strand). VCF-style: chr11-108173063-A-T. GRCh37 (hg19) VCF-style: chr11-108043790-A-T.
Other names: c.1921T>A, p.Ser641Thr (NM_001321307.1); short protein forms S641T.
Identifiers: ClinVar variation 1782695 (VCV001782695.2), dbSNP rs2496719397, ClinGen allele CA382514071.